The following is an entry in ClinVar:

NM_138420.4(AHNAK2):c.6195T>C (p.Ala2065=)

Gene: AHNAK2 (AHNAK nucleoprotein 2; minus strand). Cytogenetic location: 14q32.33.
Variant type: single nucleotide variant.
Coding change: c.6195T>C on transcript NM_138420.4 (MANE Select); coding-DNA position 6195, T replaced by C.
Protein change: p.Ala2065=; no amino-acid change (alanine 2065 retained).
Molecular consequence: synonymous variant.
Genome position (GRCh38, 1-based): chr14:104,949,256, A>G on the plus strand (T>C on the coding strand, the complement: AHNAK2 is on the minus strand). VCF-style: chr14-104949256-A-G. GRCh37 (hg19) VCF-style: chr14-105415593-A-G.
Other names: c.5895T>C, p.Ala1965= (NM_001350929.2).
Identifiers: ClinVar variation 3388464 (VCV003388464.14).

ClinVar aggregate classification (germline): Likely benign (1 of 4 stars; one submission).

Submission:

CeGaT Center for Human Genetics Tuebingen
Classification: Likely benign. Last evaluated: 2025-01-01. Review status: criteria provided, single submitter. Criteria: CeGaT Center For Human Genetics Tuebingen Variant Classification Criteria Version 2. Collection method: clinical testing. Allele origin: germline. Affected: yes. Observed: 2 variant alleles.
Comment: AHNAK2: BP4, BP7